The following is an entry in ClinVar:

NM_152743.4(BRAT1):c.668C>T (p.Thr223Met)

Gene: BRAT1 (BRCA1 associated ATM activator 1; minus strand). Cytogenetic location: 7p22.3.
Variant type: single nucleotide variant.
Coding change: c.668C>T on transcript NM_152743.4 (MANE Select); coding-DNA position 668, C replaced by T.
Protein change: p.Thr223Met; replaces threonine 223 with methionine.
Molecular consequence: missense variant. On other transcripts: non-coding transcript variant (1).
Genome position (GRCh38, 1-based): chr7:2,543,725, G>A on the plus strand (C>T on the coding strand, the complement: BRAT1 is on the minus strand). VCF-style: chr7-2543725-G-A. GRCh37 (hg19) VCF-style: chr7-2583359-G-A.
Other names: c.668C>T (NM_152743.3); c.668C>T, p.Thr223Met (NM_001350626.2); c.143C>T, p.Thr48Met (NM_001350627.2); short protein forms T223M, T48M.
Identifiers: ClinVar variation 1413384 (VCV001413384.6), dbSNP rs545329453, ClinGen allele CA4128133.
Genomic context (GRCh38, chr7:2,543,725, plus strand): 5'-CGGGGACTCAGCCGCACCCACAGGGCTTCCGTCCAGGGGCTCTGGCAGCGCCCGAAGGTC[G>A]TGGTCAGGACGTTCAGGGCCTGAGTGACCTTGGGGGTGGCCGCGGAGCACAAGGACTCTT-3'
Protein context (NP_689956.2, residues 213-233): KVTQALNVLT[Thr223Met]TFGRCQSPWT

ClinVar aggregate classification (germline): Uncertain significance. Review status: criteria provided, multiple submitters, no conflicts (2 of 4 stars). 2 submissions from 2 submitters: Uncertain significance (2). Last evaluated 2025-07-31.

Conditions:
Neonatal-onset encephalopathy with rigidity and seizures. Also called: Lethal neonatal spasticity-epileptic encephalopathy syndrome. Identifiers: Orphanet 435845, MedGen C3281029, MONDO:0013784, OMIM 614498.

Allele frequency attached by ClinVar (database versions not stated): gnomAD 0.00001 and 0.00003; gnomAD exomes 0.00002; TOPMed 0.00002; ExAC 0.00004; 1000 Genomes Project 30x 0.00031; 1000 Genomes Project 0.00040.
gnomAD v4.1: 38 of 1,590,740 alleles (0.0024%); highest among the groups gnomAD compares: East Asian, 0.052%; 1 homozygote.

Submissions (2):

GeneDx
Classification: Uncertain significance. Last evaluated: 2025-07-31. Review status: criteria provided, single submitter. Criteria: GeneDx Variant Classification Process June 2021. Collection method: clinical testing. Allele origin: germline. Affected: yes.
Comment: Not observed at significant frequency in large population cohorts (gnomAD); In silico analysis supports that this missense variant has a deleterious effect on protein structure/function; Has not been previously published as pathogenic or benign to our knowledge

Labcorp Genetics (formerly Invitae), Labcorp
Classification: Uncertain significance for Neonatal-onset encephalopathy with rigidity and seizures. Last evaluated: 2025-01-23. Review status: criteria provided, single submitter. Criteria: Invitae Variant Classification Sherloc (09022015). Collection method: clinical testing. Allele origin: germline.
Comment: This sequence change replaces threonine, which is neutral and polar, with methionine, which is neutral and non-polar, at codon 223 of the BRAT1 protein (p.Thr223Met). This variant is present in population databases (rs545329453, gnomAD 0.01%). This variant has not been reported in the literature in individuals affected with BRAT1-related conditions. ClinVar contains an entry for this variant (Variation ID: 1413384). Invitae Evidence Modeling of protein sequence and biophysical properties (such as structural, functional, and spatial information, amino acid conservation, physicochemical variation, residue mobility, and thermodynamic stability) indicates that this missense variant is not expected to disrupt BRAT1 protein function with a negative predictive value of 95%. In summary, the available evidence is currently insufficient to determine the role of this variant in disease. Therefore, it has been classified as a Variant of Uncertain Significance.